The following is an entry in ClinVar:

ClinVar aggregate classification (germline): Benign. Review status: criteria provided, multiple submitters, no conflicts (2 of 4 stars). 2 submissions from 2 submitters: Benign (2). Last evaluated 2018-01-13.

Conditions:
Junctional epidermolysis bullosa. Identifiers: Orphanet 305, MedGen C0079301, MONDO:0017612.

Allele frequency attached by ClinVar (database versions not stated): TOPMed 0.09824; 1000 Genomes Project 0.09125; 1000 Genomes Project 30x 0.09260; gnomAD exomes 0.50000.
gnomAD v4.1: 15,013 of 152,108 alleles (9.9%); highest among the groups gnomAD compares: East Asian, 20%; 861 homozygotes.

Submissions (2):

Illumina Laboratory Services, Illumina
Classification: Benign for Junctional epidermolysis bullosa. Last evaluated: 2018-01-13. Review status: criteria provided, single submitter. Criteria: ICSL Variant Classification Criteria 13 December 2019. Collection method: clinical testing. Allele origin: germline.
Comment: This variant was observed in the ICSL laboratory as part of a predisposition screen in an ostensibly healthy population. It had not been previously curated by ICSL or reported in the Human Gene Mutation Database (HGMD: prior to June 1st, 2018), and was therefore a candidate for classification through an automated scoring system. Utilizing variant allele frequency, disease prevalence and penetrance estimates, and inheritance mode, an automated score was calculated to assess if this variant is too frequent to cause the disease. Based on the score and internal cut-off values, a variant classified as benign is not then subjected to further curation. The score for this variant resulted in a classification of benign for this disease.

Breakthrough Genomics
Classification: Benign. Review status: criteria provided, single submitter. Criteria: ACMG Guidelines, 2015. Collection method: not provided. Allele origin: germline. Inheritance: Autosomal recessive inheritance. Affected: yes.

NM_005562.3(LAMC2):c.*875G>T

Gene: LAMC2 (laminin subunit gamma 2; plus strand). Cytogenetic location: 1q25.3.
Variant type: single nucleotide variant.
Coding change: c.*875G>T on transcript NM_005562.3 (MANE Select); 875 bases downstream of the stop codon, G replaced by T.
Molecular consequence: 3 prime UTR variant.
Genome position (GRCh38, 1-based): chr1:183,244,275, G>T. VCF-style: chr1-183244275-G-T. GRCh37 (hg19) VCF-style: chr1-183213410-G-T.
Identifiers: ClinVar variation 294036 (VCV000294036.6), dbSNP rs10797863, ClinGen allele CA10608491.
Genomic context (GRCh38, chr1:183,244,275, plus strand): 5'-AAATTCTCTAGATTTATTAGTCCTAATTCAATCCTACTTTTCGAACACCAAAAATGATGC[G>T]CATCAATGTATTTTATCTTATTTTCTCAATCTCCTCTCTCTTTCCTCCACCCATAATAAG-3'